The following is an entry in ClinVar:

ClinVar aggregate classification (germline): Uncertain significance (1 of 4 stars; one submission).

Allele frequency attached by ClinVar (database versions not stated): gnomAD 0.00001; TOPMed 0.00001; ExAC 0.00003.
gnomAD v4.1: 23 of 1,613,212 alleles (0.0014%); highest among the groups gnomAD compares: Admixed American, 0.037%; no homozygotes.

Submission:

Labcorp Genetics (formerly Invitae), Labcorp
Classification: Uncertain significance. Last evaluated: 2023-08-16. Review status: criteria provided, single submitter. Criteria: Invitae Variant Classification Sherloc (09022015). Collection method: clinical testing. Allele origin: germline.
Comment: Algorithms developed to predict the effect of sequence changes on RNA splicing suggest that this variant may disrupt the consensus splice site. ClinVar contains an entry for this variant (Variation ID: 2417853). This variant has not been reported in the literature in individuals affected with MAPKAPK3-related conditions. This variant is present in population databases (rs764111447, gnomAD 0.05%). This sequence change affects codon 235 of the MAPKAPK3 mRNA. It is a 'silent' change, meaning that it does not change the encoded amino acid sequence of the MAPKAPK3 protein. It affects a nucleotide within the consensus splice site. In summary, the available evidence is currently insufficient to determine the role of this variant in disease. Therefore, it has been classified as a Variant of Uncertain Significance.

NM_001243925.2(MAPKAPK3):c.705C>G (p.Leu235=)

Gene: MAPKAPK3 (MAPK activated protein kinase 3; plus strand). Cytogenetic location: 3p21.2.
Variant type: single nucleotide variant.
Coding change: c.705C>G on transcript NM_001243925.2 (MANE Select); coding-DNA position 705, C replaced by G.
Protein change: p.Leu235=; no amino-acid change (leucine 235 retained).
Molecular consequence: synonymous variant.
Genome position (GRCh38, 1-based): chr3:50,646,140, C>G. VCF-style: chr3-50646140-C-G. GRCh37 (hg19) VCF-style: chr3-50683571-C-G.
Other names: c.705C>G, p.Leu235= (NM_001243926.2, NM_004635.5).
Identifiers: ClinVar variation 2417853 (VCV002417853.5), dbSNP rs764111447, ClinGen allele CA2420347.